The following is an entry in ClinVar:

ClinVar aggregate classification (germline): Uncertain significance (1 of 4 stars; one submission).

Conditions:
Neurodevelopmental disorder with hypotonia and autistic features with or without hyperkinetic movements. Identifiers: MedGen C5231491, MONDO:0032900, OMIM 618760.

Submission:

3billion
Classification: Uncertain significance for Neurodevelopmental disorder with hypotonia and autistic features with or without hyperkinetic movements. Last evaluated: 2023-10-16. Review status: criteria provided, single submitter. Criteria: ACMG Guidelines, 2015. Collection method: clinical testing. Allele origin: germline. Affected: yes.
Comment: The variant is not observed in the gnomAD v2.1.1 dataset. Predicted Consequence/Location: Inframe deletion located in a nonrepeat region: predicted to change the length of the protein and disrupt normal protein function. Therefore, this variant is classified as VUS according to the recommendation of ACMG/AMP guideline.

NM_014232.3(VAMP2):c.175_177del (p.Lys59del)

Gene: VAMP2 (vesicle associated membrane protein 2; minus strand). Cytogenetic location: 17p13.1.
Variant type: Deletion.
Coding change: c.175_177del on transcript NM_014232.3 (MANE Select); coding-DNA positions 175 to 177, 3 bases deleted (AAG; older notation c.175_177delAAG).
Protein change: p.Lys59del; deletes lysine 59.
Molecular consequence: inframe deletion.
Genome position (GRCh38, 1-based): chr17:8,161,713-8,161,715, CTT deleted on the plus strand (AAG on the coding strand, the reverse complement: VAMP2 is on the minus strand); deleting any 3 consecutive bases within chr17:8,161,713-8,161,717 gives the same sequence; the c. name uses the placement nearest the transcript's 3' end. VCF-style (leftmost placement, unchanged base first): chr17-8161712-GCTT-G. GRCh37 (hg19) VCF-style: chr17-8065030-GCTT-G.
Other names: c.181_183del, p.Lys61del (NM_001330125.1); short protein forms K59del, K61del.
Identifiers: ClinVar variation 3775233 (VCV003775233.1).